The following is an entry in ClinVar:

ClinVar aggregate classification (germline): Uncertain significance. Review status: criteria provided, multiple submitters, no conflicts (2 of 4 stars). 2 submissions from 2 submitters: Uncertain significance (2). Last evaluated 2025-10-01.

Allele frequency attached by ClinVar (database versions not stated): gnomAD exomes below 0.00001.
gnomAD v4.1: 7 of 1,196,592 alleles (0.00058%); highest among the groups gnomAD compares: Admixed American, 0.0022%; no homozygotes.

Submissions (2):

Labcorp Genetics (formerly Invitae), Labcorp
Classification: Uncertain significance. Last evaluated: 2025-10-01. Review status: criteria provided, single submitter. Criteria: Invitae Variant Classification Sherloc (09022015). Collection method: clinical testing. Allele origin: germline.
Comment: This sequence change replaces arginine, which is basic and polar, with cysteine, which is neutral and slightly polar, at codon 94 of the PLS3 protein (p.Arg94Cys). The frequency data for this variant in the population databases is considered unreliable, as metrics indicate poor data quality at this position in the gnomAD database. This missense change has been observed in individual(s) with osteoporosis (PMID: 33195954). ClinVar contains an entry for this variant (Variation ID: 3012892). Invitae Evidence Modeling of protein sequence and biophysical properties (such as structural, functional, and spatial information, amino acid conservation, physicochemical variation, residue mobility, and thermodynamic stability) indicates that this missense variant is expected to disrupt PLS3 protein function with a positive predictive value of 80%. In summary, the available evidence is currently insufficient to determine the role of this variant in disease. Therefore, it has been classified as a Variant of Uncertain Significance.

Blueprint Genetics
Classification: Uncertain significance. Last evaluated: 2020-01-02. Review status: criteria provided, single submitter. Criteria: ACMG Guidelines, 2015. Collection method: clinical testing. Allele origin: germline.

Literature cited by the submitters: PubMed 33195954 (cited by Labcorp Genetics (formerly Invitae), Labcorp).

NM_005032.7(PLS3):c.280C>T (p.Arg94Cys)

Gene: PLS3 (plastin 3; plus strand). Cytogenetic location: Xq23.
Variant type: single nucleotide variant.
Coding change: c.280C>T on transcript NM_005032.7 (MANE Select); coding-DNA position 280, C replaced by T.
Protein change: p.Arg94Cys; replaces arginine 94 with cysteine.
Molecular consequence: missense variant.
Genome position (GRCh38, 1-based): chrX:115,629,240, C>T. VCF-style: chrX-115629240-C-T. GRCh37 (hg19) VCF-style: chrX-114863552-C-T.
Other names: c.280C>T, p.Arg94Cys (NM_001136025.5); c.199C>T, p.Arg67Cys (NM_001172335.3); c.214C>T, p.Arg72Cys (NM_001282337.2); c.145C>T, p.Arg49Cys (NM_001282338.2); short protein forms R49C, R67C, R94C, R72C.
Identifiers: ClinVar variation 3012892 (VCV003012892.4), dbSNP rs968550437, ClinGen allele CA334697782.
Genomic context (GRCh38, chrX:115,629,240, plus strand): 5'-AATTACTTTAATTAATAGATTTTTCAAGAGGTAAAAAGTAGTGATATTGCCAAGACCTTC[C>T]GCAAAGCAATCAACAGGAAAGAAGGTATTTGTGCTCTGGGTGGAACTTCAGAGTTGTCCA-3'
Protein context (NP_005023.2, residues 84-104): VKSSDIAKTF[Arg94Cys]KAINRKEGIC